The following is an entry in ClinVar:

ClinVar aggregate classification (germline): Uncertain significance (1 of 4 stars; one submission).

Conditions:
Severe myoclonic epilepsy in infancy (DRVT). Also called: Epileptic encephalopathy, early infantile, 6 (Dravet syndrome); SEVERE MYOCLONIC EPILEPSY OF INFANCY; DEVELOPMENTAL AND EPILEPTIC ENCEPHALOPATHY 6A; Severe Myoclonic Epilepsy in Infancy (SMEI); Dravet syndrome. Identifiers: Orphanet 33069, MedGen C0751122, MONDO:0100135, OMIM 607208.

Allele frequency attached by ClinVar (database versions not stated): TOPMed 0.00001.
gnomAD v4.1: 34 of 1,533,536 alleles (0.0022%); highest among the groups gnomAD compares: South Asian, 0.0049%; no homozygotes.

Submission:

Labcorp Genetics (formerly Invitae), Labcorp
Classification: Uncertain significance for Severe myoclonic epilepsy in infancy. Last evaluated: 2021-02-26. Review status: criteria provided, single submitter. Criteria: Invitae Variant Classification Sherloc (09022015). Collection method: clinical testing. Allele origin: germline.
Comment: This variant is present in population databases (rs747108673, ExAC 0.006%). This sequence change replaces valine with leucine at codon 44 of the SNX27 protein (p.Val44Leu). The valine residue is moderately conserved and there is a small physicochemical difference between valine and leucine. This variant has not been reported in the literature in individuals with SNX27-related conditions. In summary, the available evidence is currently insufficient to determine the role of this variant in disease. Therefore, it has been classified as a Variant of Uncertain Significance. Algorithms developed to predict the effect of missense changes on protein structure and function are either unavailable or do not agree on the potential impact of this missense change (SIFT: "Deleterious"; PolyPhen-2: "Probably Damaging"; Align-GVGD: "Class C0").

NM_001330723.2(SNX27):c.130G>C (p.Val44Leu)

Genes: SNX27 (sorting nexin 27; plus strand), LOC129931442 (ATAC-STARR-seq lymphoblastoid silent region 1324; plus strand). Cytogenetic location: 1q21.3.
Variant type: single nucleotide variant.
Coding change: c.130G>C on transcript NM_001330723.2 (MANE Select); coding-DNA position 130, G replaced by C.
Protein change: p.Val44Leu; replaces valine 44 with leucine.
Molecular consequence: missense variant.
Genome position (GRCh38, 1-based): chr1:151,612,331, G>C. VCF-style: chr1-151612331-G-C. GRCh37 (hg19) VCF-style: chr1-151584807-G-C.
Other names: c.130G>C, p.Val44Leu (NM_030918.6); short protein forms V44L.
Identifiers: ClinVar variation 999664 (VCV000999664.9), dbSNP rs747108673, ClinGen allele CA1093351.
Genomic context (GRCh38, chr1:151,612,331, plus strand): 5'-GGGGGGTCTGGGCTCCACTGCGCCGGGAACGGCGGCGGGGGAGGCGGCGGCCCGCGGGTC[G>C]TGCGCATCGTCAAGTCCGAGTCCGGCTACGGCTTCAACGTGCGGGGCCAAGTGAGCGAGG-3'
Protein context (NP_001317652.1, residues 34-54): GGGGGGGPRV[Val44Leu]RIVKSESGYG